The following is an entry in ClinVar:

ClinVar aggregate classification (germline): Conflicting classifications of pathogenicity. Review status: criteria provided, conflicting classifications (1 of 4 stars). 4 submissions from 4 submitters: Uncertain significance (3); Benign (1). Last evaluated 2025-10-13.

Conditions:
Cardiovascular phenotype. Identifiers: MedGen CN230736.
Cardiomyopathy (CMYO). Also called: Cardiomyopathies. Identifiers: Orphanet 167848, MedGen C0878544, MONDO:0004994, HP:0001638. Inheritance: Various modes of inheritance.
Arrhythmogenic right ventricular dysplasia 8 (ARVD8). Also called: ARRHYTHMOGENIC RIGHT VENTRICULAR DYSPLASIA, FAMILIAL, 8; ARRHYTHMOGENIC RIGHT VENTRICULAR CARDIOMYOPATHY 8; Arrhythmogenic Right Ventricular Dysplasia/Cardiomyopathy 8. Identifiers: MedGen C1843896, MONDO:0011831, OMIM 607450.
Arrhythmogenic cardiomyopathy with wooly hair and keratoderma. Also called: Carvajal syndrome; Dilated cardiomyopathy with woolly hair and keratoderma; PALMOPLANTAR KERATODERMA WITH LEFT VENTRICULAR CARDIOMYOPATHY AND WOOLLY HAIR; Arrhythmogenic cardiomyopathy with woolly hair and keratoderma. Identifiers: Orphanet 65282, MedGen C1854063, MONDO:0011581, OMIM 605676.

Allele frequency attached by ClinVar (database versions not stated): gnomAD exomes 0.00001; ExAC 0.00002; TOPMed 0.00002; gnomAD 0.00004; ESP Exome Variant Server 0.00008; 1000 Genomes Project 30x 0.00031; 1000 Genomes Project 0.00040.
gnomAD v4.1: 25 of 1,614,136 alleles (0.0015%); highest among the groups gnomAD compares: African/African-American, 0.021%; 1 homozygote.

Submissions (4):

Labcorp Genetics (formerly Invitae), Labcorp
Classification: Benign for Arrhythmogenic cardiomyopathy with wooly hair and keratoderma; Arrhythmogenic right ventricular dysplasia 8. Last evaluated: 2025-10-13. Review status: criteria provided, single submitter. Criteria: Invitae Variant Classification Sherloc (09022015). Collection method: clinical testing. Allele origin: germline.

Ambry Genetics
Classification: Uncertain significance for Cardiovascular phenotype. Last evaluated: 2024-12-03. Review status: criteria provided, single submitter. Criteria: Ambry Variant Classification Scheme 2023. Collection method: clinical testing. Allele origin: germline.
Comment: The p.N408H variant (also known as c.1222A>C), located in coding exon 10 of the DSP gene, results from an A to C substitution at nucleotide position 1222. The asparagine at codon 408 is replaced by histidine, an amino acid with similar properties. This amino acid position is not well conserved in available vertebrate species. In addition, the in silico prediction for this alteration is inconclusive. Since supporting evidence is limited at this time, the clinical significance of this alteration remains unclear.

All of Us Research Program, National Institutes of Health
Classification: Uncertain significance for Arrhythmogenic cardiomyopathy with wooly hair and keratoderma. Last evaluated: 2024-04-25. Review status: criteria provided, single submitter. Criteria: ACMG Guidelines, 2015. Collection method: clinical testing. Allele origin: germline. Inheritance: Autosomal dominant inheritance. Observed: 2 variant alleles, 2 heterozygotes.
Comment: This missense variant replaces asparagine with histidine at codon 408 of the DSP protein. Computational prediction suggests that this variant may not impact protein structure and function (internally defined REVEL score threshold <= 0.5, PMID: 27666373). To our knowledge, functional studies have not been reported for this variant. This variant has not been reported in individuals affected with cardiovascular disorders in the literature. This variant has been identified in 5/282578 chromosomes in the general population by the Genome Aggregation Database (gnomAD). The available evidence is insufficient to determine the role of this variant in disease conclusively. Therefore, this variant is classified as a Variant of Uncertain Significance.

This study involves interpretation of variants in research participants for the purpose of population health screening. Participant phenotype was not available at the time of variant classification. Additional details can be found in publication PMID: 35346344, PMCID: PMC8962531

Color Diagnostics, LLC DBA Color Health
Classification: Uncertain significance for Cardiomyopathy. Last evaluated: 2024-03-06. Review status: criteria provided, single submitter. Criteria: ACMG Guidelines, 2015. Collection method: clinical testing. Allele origin: germline.
Comment: This missense variant replaces asparagine with histidine at codon 408 of the DSP protein. Computational prediction suggests that this variant may not impact protein structure and function (internally defined REVEL score threshold <= 0.5, PMID: 27666373). To our knowledge, functional studies have not been reported for this variant. This variant has not been reported in individuals affected with cardiovascular disorders in the literature. This variant has been identified in 5/282578 chromosomes in the general population by the Genome Aggregation Database (gnomAD). The available evidence is insufficient to determine the role of this variant in disease conclusively. Therefore, this variant is classified as a Variant of Uncertain Significance.

NM_004415.4(DSP):c.1222A>C (p.Asn408His)

Gene: DSP (desmoplakin; plus strand). Cytogenetic location: 6p24.3.
Variant type: single nucleotide variant.
Coding change: c.1222A>C on transcript NM_004415.4 (MANE Select); coding-DNA position 1222, A replaced by C.
Protein change: p.Asn408His; replaces asparagine 408 with histidine.
Molecular consequence: missense variant.
Genome position (GRCh38, 1-based): chr6:7,567,862, A>C. VCF-style: chr6-7567862-A-C. GRCh37 (hg19) VCF-style: chr6-7568095-A-C.
Other names: c.1222A>C, p.Asn408His (NM_001008844.3, NM_001319034.2); short protein forms N408H.
Identifiers: ClinVar variation 850493 (VCV000850493.19), dbSNP rs142129767, ClinGen allele CA027248.
Genomic context (GRCh38, chr6:7,567,862, plus strand): 5'-ACTGAAGCATACCTGAAGGGGCTCCAGGACTCCATCAGGAAGAAGTACCCCTGCGACAAG[A>C]ACATGCCCCTGCAGCACCTGCTGGAACAGATCAAGGAGCTGGAGGTATCGTCTCAGACCC-3'
Protein context (NP_004406.2, residues 398-418): SIRKKYPCDK[Asn408His]MPLQHLLEQI